The following is an entry in ClinVar:

NM_014014.5(SNRNP200):c.1098C>T (p.Thr366=)

Gene: SNRNP200 (small nuclear ribonucleoprotein U5 subunit 200; minus strand). Cytogenetic location: 2q11.2.
Variant type: single nucleotide variant.
Coding change: c.1098C>T on transcript NM_014014.5 (MANE Select); coding-DNA position 1098, C replaced by T.
Protein change: p.Thr366=; no amino-acid change (threonine 366 retained).
Molecular consequence: synonymous variant.
Genome position (GRCh38, 1-based): chr2:96,298,305, G>A on the plus strand (C>T on the coding strand, the complement: SNRNP200 is on the minus strand). VCF-style: chr2-96298305-G-A. GRCh37 (hg19) VCF-style: chr2-96964043-G-A.
Identifiers: ClinVar variation 337559 (VCV000337559.16), dbSNP rs774935614, ClinGen allele CA1779017.

ClinVar aggregate classification (germline): Conflicting classifications of pathogenicity. Review status: criteria provided, conflicting classifications (1 of 4 stars). 3 submissions from 3 submitters: Uncertain significance (1); Likely benign (2). Last evaluated 2026-02-03.

Conditions:
SNRNP200-related disorder. Also called: SNRNP200-related condition.
Retinitis pigmentosa (RP). Identifiers: Orphanet 791, MedGen C0035334, MeSH D012174, MONDO:0019200, OMIM 268000. Inheritance: Autosomal dominant, autosomal recessive and X linked inheritance.

Allele frequency attached by ClinVar (database versions not stated): ExAC 0.00002; TOPMed 0.00002; gnomAD exomes 0.00003; gnomAD 0.00004 and 0.00005.
gnomAD v4.1: 50 of 1,613,994 alleles (0.0031%); highest among the groups gnomAD compares: East Asian, 0.0045%; no homozygotes.

Submissions (3):

PreventionGenetics, part of Exact Sciences
Classification: Likely benign for SNRNP200-related condition. Last evaluated: 2026-02-03. Review status: criteria provided, single submitter. Criteria: ACMG Guidelines, 2015. Collection method: clinical testing. Allele origin: germline.
Comment: This variant is classified as likely benign based on ACMG/AMP sequence variant interpretation guidelines (Richards et al. 2015 PMID: 25741868, with internal and published modifications).

Labcorp Genetics (formerly Invitae), Labcorp
Classification: Likely benign. Last evaluated: 2025-09-13. Review status: criteria provided, single submitter. Criteria: Invitae Variant Classification Sherloc (09022015). Collection method: clinical testing. Allele origin: germline.

Illumina Laboratory Services, Illumina
Classification: Uncertain significance for Retinitis pigmentosa. Last evaluated: 2018-01-12. Review status: criteria provided, single submitter. Criteria: ICSL Variant Classification Criteria 13 December 2019. Collection method: clinical testing. Allele origin: germline.